The following is an entry in ClinVar:

ClinVar aggregate classification (germline): Uncertain significance (1 of 4 stars; one submission).

Allele frequency attached by ClinVar (database versions not stated): gnomAD exomes below 0.00001; ExAC 0.00001.
gnomAD v4.1: 7 of 1,614,132 alleles (0.00043%); highest among the groups gnomAD compares: Non-Finnish European, 0.00059%; no homozygotes.

Submission:

Labcorp Genetics (formerly Invitae), Labcorp
Classification: Uncertain significance. Last evaluated: 2021-08-28. Review status: criteria provided, single submitter. Criteria: Invitae Variant Classification Sherloc (09022015). Collection method: clinical testing. Allele origin: germline.
Comment: This sequence change replaces glutamic acid with lysine at codon 650 of the SLC25A12 protein (p.Glu650Lys). The glutamic acid residue is highly conserved and there is a small physicochemical difference between glutamic acid and lysine. This variant is present in population databases (rs778800333, ExAC 0.001%). This variant has not been reported in the literature in individuals affected with SLC25A12-related conditions. Algorithms developed to predict the effect of missense changes on protein structure and function are either unavailable or do not agree on the potential impact of this missense change (SIFT: "Deleterious"; PolyPhen-2: "Probably Damaging"; Align-GVGD: "Class C0"). In summary, the available evidence is currently insufficient to determine the role of this variant in disease. Therefore, it has been classified as a Variant of Uncertain Significance.

NM_003705.5(SLC25A12):c.1948G>A (p.Glu650Lys)

Gene: SLC25A12 (solute carrier family 25 member 12; minus strand). Cytogenetic location: 2q31.1.
Variant type: single nucleotide variant.
Coding change: c.1948G>A on transcript NM_003705.5 (MANE Select); coding-DNA position 1948, G replaced by A.
Protein change: p.Glu650Lys; replaces glutamic acid 650 with lysine.
Molecular consequence: missense variant. On other transcripts: non-coding transcript variant (1).
Genome position (GRCh38, 1-based): chr2:171,785,363, C>T on the plus strand (G>A on the coding strand, the complement: SLC25A12 is on the minus strand). VCF-style: chr2-171785363-C-T. GRCh37 (hg19) VCF-style: chr2-172641873-C-T.
Other names: short protein forms E650K.
Identifiers: ClinVar variation 841579 (VCV000841579.7), dbSNP rs778800333, ClinGen allele CA1965998.
Genomic context (GRCh38, chr2:171,785,363, plus strand): 5'-GCTGAACCACAGCAACACTAGGAGACTTAAATTTCGGGAGATAAAGGCCAAATTTGTTTT[C>T]GATGCCTGCAAACGTGGCTGTGGCGAGTCTGTATCCACCGATGTGATCAGGGTTGGCAGG-3'
Protein context (NP_003696.2, residues 640-660): RLATATFAGI[Glu650Lys]NKFGLYLPKF